The following is an entry in ClinVar:

NM_004364.5(CEBPA):c.872G>T (p.Arg291Leu)

Gene: CEBPA (CCAAT enhancer binding protein alpha; minus strand). Cytogenetic location: 19q13.11.
Variant type: single nucleotide variant.
Coding change: c.872G>T on transcript NM_004364.5 (MANE Select); coding-DNA position 872, G replaced by T.
Protein change: p.Arg291Leu; replaces arginine 291 with leucine.
Molecular consequence: missense variant.
Genome position (GRCh38, 1-based): chr19:33,301,543, C>A on the plus strand (G>T on the coding strand, the complement: CEBPA is on the minus strand). VCF-style: chr19-33301543-C-A. GRCh37 (hg19) VCF-style: chr19-33792449-C-A.
Other names: c.515G>T, p.Arg172Leu (NM_001285829.2); c.977G>T, p.Arg326Leu (NM_001287424.2); c.830G>T, p.Arg277Leu (NM_001287435.2); short protein forms R291L, R172L, R277L, R326L.
Identifiers: ClinVar variation 3999978 (VCV003999978.1).

ClinVar aggregate classification (germline): Uncertain significance (1 of 4 stars; one submission).

Conditions:
Inborn genetic diseases. Identifiers: MedGen C0950123, MeSH D030342.

Submission:

Ambry Genetics
Classification: Uncertain significance for Inborn genetic diseases. Last evaluated: 2025-03-22. Review status: criteria provided, single submitter. Criteria: Ambry Variant Classification Scheme 2023. Collection method: clinical testing. Allele origin: germline.
Comment: The p.R291L variant (also known as c.872G>T), located in coding exon 1 of the CEBPA gene, results from a G to T substitution at nucleotide position 872. The arginine at codon 291 is replaced by leucine, an amino acid with dissimilar properties. This amino acid position is conserved. In addition, the in silico prediction for this alteration is inconclusive. Based on the available evidence, the clinical significance of this variant remains unclear.